The following is an entry in ClinVar:

ClinVar aggregate classification (germline): Uncertain significance. Review status: criteria provided, multiple submitters, no conflicts (2 of 4 stars). 2 submissions from 2 submitters: Uncertain significance (2). Last evaluated 2021-08-14.

Conditions:
Developmental and epileptic encephalopathy, 1 (DEE1). Also called: INFANTILE SPASM SYNDROME, X-LINKED 1; Epileptic encephalopathy, early infantile, 1; X-linked infantile spasms; West's syndrome; Tonic spasms with clustering, arrest of psychomotor development and hypsarrhythmia on EEG; X-Linked Infantile Spasm Syndrome. Identifiers: MedGen C3463992, MONDO:0010632, OMIM 308350. Disease mechanism: loss of function.
Intellectual disability, X-linked, with or without seizures, ARX-related. Also called: Mental retardation, X-linked 52; MENTAL RETARDATION, X-LINKED 29; MENTAL RETARDATION, X-LINKED 32; MENTAL RETARDATION, X-LINKED 33; MENTAL RETARDATION, X-LINKED 38; MENTAL RETARDATION, X-LINKED 43. Identifiers: Orphanet 777, MedGen C0796244, MONDO:0010317, OMIM 300419.

Allele frequency attached by ClinVar (database versions not stated): gnomAD 0.00001.

Submissions (2):

Labcorp Genetics (formerly Invitae), Labcorp
Classification: Uncertain significance for Developmental and epileptic encephalopathy, 1; Intellectual disability, X-linked, with or without seizures, ARX-related. Last evaluated: 2021-08-14. Review status: criteria provided, single submitter. Criteria: Invitae Variant Classification Sherloc (09022015). Collection method: clinical testing. Allele origin: germline.
Comment: This sequence change replaces proline with leucine at codon 215 of the ARX protein (p.Pro215Leu). The proline residue is weakly conserved and there is a moderate physicochemical difference between proline and leucine. The frequency data for this variant in the population databases is considered unreliable, as metrics indicate insufficient coverage at this position in the ExAC database. This variant has not been reported in the literature in individuals affected with ARX-related conditions. Advanced modeling of protein sequence and biophysical properties (such as structural, functional, and spatial information, amino acid conservation, physicochemical variation, residue mobility, and thermodynamic stability) performed at Invitae indicates that this missense variant is not expected to disrupt ARX protein function. In summary, the available evidence is currently insufficient to determine the role of this variant in disease. Therefore, it has been classified as a Variant of Uncertain Significance.

Blueprint Genetics
Classification: Uncertain significance. Last evaluated: 2021-06-30. Review status: criteria provided, single submitter. Criteria: ACMG Guidelines, 2015. Collection method: clinical testing. Allele origin: germline.

NM_139058.3(ARX):c.644C>T (p.Pro215Leu)

Gene: ARX (aristaless related homeobox; minus strand). Cytogenetic location: Xp21.3.
Variant type: single nucleotide variant.
Coding change: c.644C>T on transcript NM_139058.3 (MANE Select); coding-DNA position 644, C replaced by T.
Protein change: p.Pro215Leu; replaces proline 215 with leucine.
Molecular consequence: missense variant.
Genome position (GRCh38, 1-based): chrX:25,013,351, G>A on the plus strand (C>T on the coding strand, the complement: ARX is on the minus strand). VCF-style: chrX-25013351-G-A. GRCh37 (hg19) VCF-style: chrX-25031468-G-A.
Other names: short protein forms P215L.
Identifiers: ClinVar variation 1444121 (VCV001444121.6), dbSNP rs964935114, ClinGen allele CA412612743.
Genomic context (GRCh38, chrX:25,013,351, plus strand): 5'-TCTTCGTCCTCCAGCAGCTCCTCCTCGTCGTCCTCGGTGCCGGTGCCACCACCCGCAGCC[G>A]GGGCGCTGCCCGGGCCGCCGGCCACGCCGAGGCGCTCCTCCGGGTGCGTGACGCCCCCCG-3'
Protein context (NP_620689.1, residues 205-225): LGVAGGPGSA[Pro215Leu]AAGGGTGTED